The following is an entry in ClinVar:

ClinVar aggregate classification (germline): Uncertain significance (1 of 4 stars; one submission).

Submission:

Labcorp Genetics (formerly Invitae), Labcorp
Classification: Uncertain significance. Last evaluated: 2022-12-25. Review status: criteria provided, single submitter. Criteria: Invitae Variant Classification Sherloc (09022015). Collection method: clinical testing. Allele origin: germline.
Comment: This variant is not present in population databases (gnomAD no frequency). In summary, the available evidence is currently insufficient to determine the role of this variant in disease. Therefore, it has been classified as a Variant of Uncertain Significance. Advanced modeling of protein sequence and biophysical properties (such as structural, functional, and spatial information, amino acid conservation, physicochemical variation, residue mobility, and thermodynamic stability) has been performed at Invitae for this missense variant, however the output from this modeling did not meet the statistical confidence thresholds required to predict the impact of this variant on SCN3A protein function. ClinVar contains an entry for this variant (Variation ID: 403868). This variant has not been reported in the literature in individuals affected with SCN3A-related conditions. This sequence change replaces glycine, which is neutral and non-polar, with glutamic acid, which is acidic and polar, at codon 1189 of the SCN3A protein (p.Gly1189Glu).

NM_006922.4(SCN3A):c.3566G>A (p.Gly1189Glu)

Gene: SCN3A (sodium voltage-gated channel alpha subunit 3; minus strand). Cytogenetic location: 2q24.3.
Variant type: single nucleotide variant.
Coding change: c.3566G>A on transcript NM_006922.4 (MANE Select); coding-DNA position 3566, G replaced by A.
Protein change: p.Gly1189Glu; replaces glycine 1189 with glutamic acid.
Molecular consequence: missense variant.
Genome position (GRCh38, 1-based): chr2:165,113,919, C>T on the plus strand (G>A on the coding strand, the complement: SCN3A is on the minus strand). VCF-style: chr2-165113919-C-T. GRCh37 (hg19) VCF-style: chr2-165970429-C-T.
Other names: c.3419G>A, p.Gly1140Glu (NM_001081676.2, NM_001081677.2); short protein forms G1189E, G1140E.
Identifiers: ClinVar variation 403868 (VCV000403868.10), dbSNP rs1060500004, ClinGen allele CA16610174.
Genomic context (GRCh38, chr2:165,113,919, plus strand): 5'-TCAAACCAGTTGTGCTCAACAATACTGTAGCAGGTTTTTCGAAGATTCCACCAGATCTTC[C>T]CTTTGCCTTCTTCTGTACTTACTTGACAGAATGGAAACTTTTTAATACATCCTAAAAATC-3'
Protein context (NP_008853.3, residues 1179-1199): FCQVSTEEGK[Gly1189Glu]KIWWNLRKTC